The following is an entry in ClinVar:

NM_144672.4(OTOA):c.1523T>C (p.Val508Ala)

Gene: OTOA (otoancorin). Cytogenetic location: 16p12.2.
Variant type: single nucleotide variant.
Coding change: c.1523T>C on transcript NM_144672.4 (MANE Select); coding-DNA position 1523, T replaced by C.
Protein change: p.Val508Ala; replaces valine 508 with alanine.
Molecular consequence: missense variant.
Genome position (GRCh38, 1-based): chr16:21,716,941, T>C. VCF-style: chr16-21716941-T-C. GRCh37 (hg19) VCF-style: chr16-21728262-T-C.
Other names: c.1286T>C, p.Val429Ala (NM_001161683.2); c.551T>C, p.Val184Ala (NM_170664.3); short protein forms V508A, V429A, V184A.
Identifiers: ClinVar variation 178499 (VCV000178499.18), dbSNP rs138141474, ClinGen allele CA182444.
Genomic context (GRCh38, chr16:21,716,941, plus strand): 5'-GTTTTGTTGCTTCTCGCTTCTGGCAGATGGTCCAAGCGGAAGACACTGCCCCAGGCATCG[T>C]GGAGATACAAGGGGCTTTCTTTAAGGAAGTGTCTCTCTTTGATTTAAGGAGGCAACCTGG-3'
Protein context (NP_653273.3, residues 498-518): VQAEDTAPGI[Val508Ala]EIQGAFFKEV

ClinVar aggregate classification (germline): Conflicting classifications of pathogenicity. Review status: criteria provided, conflicting classifications (1 of 4 stars). 7 submissions from 7 submitters: Uncertain significance (1); Benign (3); Likely benign (1). 2 of the submissions do not count toward it. Last evaluated 2026-01-26.

Conditions:
OTOA-related disorder. Also called: OTOA-related condition.
Autosomal recessive nonsyndromic hearing loss 22. Identifiers: Orphanet 90636, MedGen C1846896, MONDO:0011762, OMIM 607039.

Allele frequency attached by ClinVar (database versions not stated): ESP Exome Variant Server 0.00069; gnomAD exomes 0.00070 and 0.00101; ExAC 0.00085; gnomAD 0.00097 and 0.00099; TOPMed 0.00114.
gnomAD v4.1: 1,249 of 1,614,072 alleles (0.077%); highest among the groups gnomAD compares: Middle Eastern, 0.4%; 3 homozygotes.

Submissions (7):

Labcorp Genetics (formerly Invitae), Labcorp
Classification: Benign. Last evaluated: 2026-01-26. Review status: criteria provided, single submitter. Criteria: Invitae Variant Classification Sherloc (09022015). Collection method: clinical testing. Allele origin: germline.

Blueprint Genetics
Classification: Likely benign. Last evaluated: 2024-11-25. Review status: criteria provided, single submitter. Criteria: ACMG Guidelines, 2015. Collection method: clinical testing. Allele origin: germline.

Department of Pathology and Laboratory Medicine, Sinai Health System
Classification: Uncertain significance for Autosomal recessive nonsyndromic hearing loss 22. Last evaluated: 2021-07-30. Review status: criteria provided, single submitter. Criteria: ACMG Guidelines, 2015. Collection method: research. Allele origin: germline.

GeneDx
Classification: Benign. Last evaluated: 2019-11-26. Review status: criteria provided, single submitter. Criteria: GeneDx Variant Classification Process June 2021. Collection method: clinical testing. Allele origin: germline. Affected: yes.

Laboratory for Molecular Medicine, Mass General Brigham Personalized Medicine
Classification: Benign. Last evaluated: 2017-07-05. Review status: criteria provided, single submitter. Criteria: LMM Criteria. Collection method: clinical testing. Allele origin: germline. Observed: 11 variant alleles.
Comment: p.Val508Ala in exon 14 of OTOA: This variant is not expected to have clinical si gnificance due to a lack of conservation across species, including mammals. Of n ote 8 mammals have an alanine (Ala) at this position despite high nearby amino a cid conservation. In addition, computational analyses do not suggest a high like lihood of impact to the protein. This variant has been identified in 1% (110/101 40) of Ashkenazi Jewish chromosomes including 1 homozygote by the Genome Aggrega tion Database (gnomAD; dbSNP rs138141474).

PreventionGenetics, part of Exact Sciences
Classification: Likely benign for OTOA-related condition. Last evaluated: 2020-05-21. Review status: no assertion criteria provided. Collection method: clinical testing. Allele origin: germline. Not counted in ClinVar's aggregate classification.
Comment: This variant is classified as likely benign based on ACMG/AMP sequence variant interpretation guidelines (Richards et al. 2015 PMID: 25741868, with internal and published modifications).

Division of Human Genetics, Children's Hospital of Philadelphia
Classification: Uncertain significance for Autosomal recessive nonsyndromic hearing loss 22. Last evaluated: 2015-11-03. Review status: no assertion criteria provided. Collection method: research. Allele origin: maternal. Affected: yes. Study: CSER-PediSeq. Not counted in ClinVar's aggregate classification.